The following is an entry in ClinVar:

NM_144670.6(A2ML1):c.4165C>T (p.Pro1389Ser)

Gene: A2ML1 (alpha-2-macroglobulin like 1; plus strand). Cytogenetic location: 12p13.31.
Variant type: single nucleotide variant.
Coding change: c.4165C>T on transcript NM_144670.6 (MANE Select); coding-DNA position 4165, C replaced by T.
Protein change: p.Pro1389Ser; replaces proline 1389 with serine.
Molecular consequence: missense variant.
Genome position (GRCh38, 1-based): chr12:8,869,147, C>T. VCF-style: chr12-8869147-C-T. GRCh37 (hg19) VCF-style: chr12-9021743-C-T.
Other names: c.2692C>T, p.Pro898Ser (NM_001282424.3); short protein forms P898S, P1389S.
Identifiers: ClinVar variation 4635643 (VCV004635643.1).
Genomic context (GRCh38, chr12:8,869,147, plus strand): 5'-GGAAGGCTCTGGCTCTTAGTATCTTTTTTTTCTCCCTCTCTTATTCAGCTTCTCCAGCAA[C>T]CCCTGGTGAAGAAGGTTGAATTTGGAACTGACACACTTAACATTTACTTGGATGAGGTAG-3'
Protein context (NP_653271.3, residues 1379-1399): EGTNQLLLQQ[Pro1389Ser]LVKKVEFGTD

ClinVar aggregate classification (germline): Uncertain significance (1 of 4 stars; one submission).

Submission:

Ambry Genetics
Classification: Uncertain significance. Last evaluated: 2025-11-25. Review status: criteria provided, single submitter. Criteria: Ambry Variant Classification Scheme 2023. Collection method: clinical testing. Allele origin: germline.
Comment: The p.P1389S variant (also known as c.4165C>T), located in coding exon 33 of the A2ML1 gene, results from a C to T substitution at nucleotide position 4165. The proline at codon 1389 is replaced by serine, an amino acid with similar properties. This amino acid position is conserved. In addition, this alteration is predicted to be tolerated by in silico analysis. Based on the available evidence, the clinical significance of this variant remains unclear.